The following is an entry in ClinVar:

ClinVar aggregate classification (germline): Uncertain significance (1 of 4 stars; one submission).

Submission:

Labcorp Genetics (formerly Invitae), Labcorp
Classification: Uncertain significance. Last evaluated: 2024-01-25. Review status: criteria provided, single submitter. Criteria: Invitae Variant Classification Sherloc (09022015). Collection method: clinical testing. Allele origin: unknown.
Comment: This variant is a gross deletion of the genomic region encompassing exon(s) 4-5 of the IKZF1 gene. This variant would be expected to be in-frame, preserving the integrity of the reading frame. This variant has not been reported in the literature in individuals affected with IKZF1-related conditions. Experimental studies and prediction algorithms are not available or were not evaluated, and the functional significance of this variant is currently unknown. In summary, the available evidence is currently insufficient to determine the role of this variant in disease. Therefore, it has been classified as a Variant of Uncertain Significance.

NC_000007.13:g.(?_50444211)_(50450425_?)del

Gene: IKZF1 (IKAROS family zinc finger 1; plus strand). Cytogenetic location: 7p12.2.
Variant type: Deletion.
Identifiers: ClinVar variation 3245895 (VCV003245895.1).